The following is an entry in ClinVar:

NM_004752.4(GCM2):c.547T>C (p.Tyr183His)

Gene: GCM2 (glial cells missing transcription factor 2; minus strand). Cytogenetic location: 6p24.2.
Variant type: single nucleotide variant.
Coding change: c.547T>C on transcript NM_004752.4 (MANE Select); coding-DNA position 547, T replaced by C.
Protein change: p.Tyr183His; replaces tyrosine 183 with histidine.
Molecular consequence: missense variant.
Genome position (GRCh38, 1-based): chr6:10,875,926, A>G on the plus strand (T>C on the coding strand, the complement: GCM2 is on the minus strand). VCF-style: chr6-10875926-A-G. GRCh37 (hg19) VCF-style: chr6-10876159-A-G.
Other names: short protein forms Y183H.
Identifiers: ClinVar variation 3099047 (VCV003099047.3), dbSNP rs139894491, ClinGen allele CA3634048.

ClinVar aggregate classification (germline): Uncertain significance. Review status: criteria provided, multiple submitters, no conflicts (2 of 4 stars). 3 submissions from 3 submitters: Uncertain significance (3). Last evaluated 2024-07-30.

Conditions:
Inborn genetic diseases. Identifiers: MedGen C0950123, MeSH D030342.
Hypoparathyroidism, familial isolated, 2. Identifiers: MedGen C5394383, MONDO:0020798, OMIM 618883.
Hyperparathyroidism 4 (HRPT4). Identifiers: MedGen C4479229, MONDO:0024570, OMIM 617343.

Allele frequency attached by ClinVar (database versions not stated): gnomAD exomes below 0.00001; ExAC 0.00002; gnomAD 0.00007; TOPMed 0.00007; ESP Exome Variant Server 0.00008.

Submissions (3):

Labcorp Genetics (formerly Invitae), Labcorp
Classification: Uncertain significance. Last evaluated: 2024-07-30. Review status: criteria provided, single submitter. Criteria: Invitae Variant Classification Sherloc (09022015). Collection method: clinical testing. Allele origin: germline.
Comment: This sequence change replaces tyrosine, which is neutral and polar, with histidine, which is basic and polar, at codon 183 of the GCM2 protein (p.Tyr183His). This variant is present in population databases (rs139894491, gnomAD 0.03%). This variant has not been reported in the literature in individuals affected with GCM2-related conditions. Advanced modeling of protein sequence and biophysical properties (such as structural, functional, and spatial information, amino acid conservation, physicochemical variation, residue mobility, and thermodynamic stability) performed at Invitae indicates that this missense variant is not expected to disrupt GCM2 protein function with a negative predictive value of 80%. In summary, the available evidence is currently insufficient to determine the role of this variant in disease. Therefore, it has been classified as a Variant of Uncertain Significance.

Fulgent Genetics
Classification: Uncertain significance for Hyperparathyroidism 4; Hypoparathyroidism, familial isolated, 2. Last evaluated: 2024-05-24. Review status: criteria provided, single submitter. Criteria: ACMG Guidelines, 2015. Collection method: clinical testing. Allele origin: germline.

Ambry Genetics
Classification: Uncertain significance for Inborn genetic diseases. Last evaluated: 2023-12-15. Review status: criteria provided, single submitter. Criteria: Ambry Variant Classification Scheme 2023. Collection method: clinical testing. Allele origin: germline.